The following is an entry in ClinVar:

ClinVar aggregate classification (germline): Pathogenic (1 of 4 stars; one submission).

Conditions:
EXT1-related disorder. Also called: EXT1-related condition.

Submission:

PreventionGenetics, part of Exact Sciences
Classification: Pathogenic for EXT1-related condition. Last evaluated: 2022-10-05. Review status: criteria provided, single submitter. Criteria: ACMG Guidelines, 2015. Collection method: clinical testing. Allele origin: germline.
Comment: The EXT1 c.1952delA variant is predicted to result in a frameshift and premature protein termination (p.Asn651Ilefs*7). To our knowledge, this variant has not been reported in the literature or in a large population database, indicating this variant is rare. Frameshift variants in EXT1 are expected to be pathogenic. This variant is interpreted as pathogenic.

NM_000127.3(EXT1):c.1952del (p.Asn651fs)

Gene: EXT1 (exostosin glycosyltransferase 1; minus strand). Cytogenetic location: 8q24.11.
Variant type: Deletion.
Coding change: c.1952del on transcript NM_000127.3 (MANE Select); coding-DNA position 1952, one base deleted (A; older notation c.1952delA).
Protein change: p.Asn651fs; shifts the reading frame from asparagine 651.
Molecular consequence: frameshift variant.
Genome position (GRCh38, 1-based): chr8:117,804,825, T deleted on the plus strand (A on the coding strand, the reverse complement: EXT1 is on the minus strand); the first of 2 consecutive T bases (chr8:117,804,825-117,804,826); deleting either gives the same sequence. VCF-style (leftmost placement, unchanged base first): chr8-117804824-AT-A. GRCh37 (hg19) VCF-style: chr8-118817063-AT-A.
Other names: c.1952delA (NM_000127.2); short protein forms N651fs.
Identifiers: ClinVar variation 2637339 (VCV002637339.1), dbSNP rs2488085568, ClinGen allele CA2695201521.